The following is an entry in ClinVar:

NM_005633.4(SOS1):c.2988G>A (p.Pro996=)

Gene: SOS1 (SOS Ras/Rac guanine nucleotide exchange factor 1; minus strand). Cytogenetic location: 2p22.1.
Variant type: single nucleotide variant.
Coding change: c.2988G>A on transcript NM_005633.4 (MANE Select); coding-DNA position 2988, G replaced by A.
Protein change: p.Pro996=; no amino-acid change (proline 996 retained).
Molecular consequence: synonymous variant.
Genome position (GRCh38, 1-based): chr2:38,997,015, C>T on the plus strand (G>A on the coding strand, the complement: SOS1 is on the minus strand). VCF-style: chr2-38997015-C-T. GRCh37 (hg19) VCF-style: chr2-39224156-C-T.
Other names: p.P996P; NM_005633.3(SOS1):c.2988G>A; c.2967G>A, p.Pro989= (NM_001382394.1); c.2988G>A, p.Pro996= (NM_001382395.1).
Identifiers: ClinVar variation 40713 (VCV000040713.58), dbSNP rs35462677, ClinGen allele CA136123.

ClinVar aggregate classification (germline): Benign. Review status: reviewed by expert panel (3 of 4 stars). 13 submissions from 13 submitters: Benign (1). 12 of the submissions do not count toward it. Last evaluated 2017-04-18.

Conditions:
Noonan syndrome and Noonan-related syndrome. Identifiers: Orphanet 98733, MedGen C5681679, MONDO:0020297.
Cardiovascular phenotype. Identifiers: MedGen CN230736.
RASopathy. Also called: rasopathies; Noonan spectrum disorder. Identifiers: Orphanet 536391, MedGen C5555857, MONDO:0021060.

Allele frequency attached by ClinVar (database versions not stated): gnomAD exomes 0.00032; ExAC 0.00045; 1000 Genomes Project 30x 0.00094; 1000 Genomes Project 0.00100; gnomAD 0.00145 and 0.00156; TOPMed 0.00163; ESP Exome Variant Server 0.00223.
gnomAD v4.1: 393 of 1,593,880 alleles (0.025%); highest among the groups gnomAD compares: African/African-American, 0.46%; 1 homozygote.

Submissions (13):

ClinGen RASopathy Variant Curation Expert Panel
Classification: Benign for Noonan syndrome and Noonan-related syndrome. Last evaluated: 2017-04-18. Review status: reviewed by expert panel. Criteria: ClinGen RASopathy ACMG Specifications v1. Collection method: curation. Allele origin: germline. Inheritance: Autosomal dominant inheritance.
Comment: The filtering allele frequency of the c.2988G>A (p.Pro996=) variant in the SOS1 gene is 0.396% (51/10072) of African chromosomes by the Exome Aggregation Consortium, which is a high enough frequency to be classified as benign based on thresholds defined by the ClinGen RASopathy Expert Panel (BA1; PMID:29493581)

Labcorp Genetics (formerly Invitae), Labcorp
Classification: Benign for RASopathy. Last evaluated: 2026-01-25. Review status: criteria provided, single submitter. Criteria: Invitae Variant Classification Sherloc (09022015). Collection method: clinical testing. Allele origin: germline. Not counted in ClinVar's aggregate classification.

Blueprint Genetics
Classification: Likely benign. Last evaluated: 2024-07-02. Review status: criteria provided, single submitter. Criteria: ACMG Guidelines, 2015. Collection method: clinical testing. Allele origin: germline. Not counted in ClinVar's aggregate classification.

CeGaT Center for Human Genetics Tuebingen
Classification: Likely benign. Last evaluated: 2024-01-01. Review status: criteria provided, single submitter. Criteria: CeGaT Center For Human Genetics Tuebingen Variant Classification Criteria Version 2. Collection method: clinical testing. Allele origin: germline. Affected: yes. Observed: 1 variant allele. Not counted in ClinVar's aggregate classification.
Comment: SOS1: BP4, BP7, BS1

ARUP Laboratories, Molecular Genetics and Genomics, ARUP Laboratories
Classification: Benign. Last evaluated: 2019-11-22. Review status: criteria provided, single submitter. Criteria: ARUP Molecular Germline Variant Investigation Process. Collection method: clinical testing. Allele origin: germline. Not counted in ClinVar's aggregate classification.

Genome Diagnostics Laboratory, The Hospital for Sick Children
Classification: Likely benign for Noonan syndrome and Noonan-related syndrome. Last evaluated: 2018-08-01. Review status: criteria provided, single submitter. Criteria: ACMG Guidelines, 2015. Collection method: clinical testing. Allele origin: germline. Not counted in ClinVar's aggregate classification.

Eurofins Ntd Llc (ga)
Classification: Benign. Last evaluated: 2017-08-08. Review status: criteria provided, single submitter. Criteria: EGL Classification Definitions 2015. Collection method: clinical testing. Allele origin: germline. Observed: 1 variant allele, 1 heterozygote. Not counted in ClinVar's aggregate classification.

Ambry Genetics
Classification: Likely benign for Cardiovascular phenotype. Last evaluated: 2016-12-12. Review status: criteria provided, single submitter. Criteria: Ambry Variant Classification Scheme 2023. Collection method: clinical testing. Allele origin: germline. Not counted in ClinVar's aggregate classification.

GeneDx
Classification: Benign. Last evaluated: 2015-03-03. Review status: criteria provided, single submitter. Criteria: GeneDx Variant Classification Process June 2021. Collection method: clinical testing. Allele origin: germline. Affected: yes. Not counted in ClinVar's aggregate classification.

Laboratory for Molecular Medicine, Mass General Brigham Personalized Medicine
Classification: Benign. Last evaluated: 2010-06-02. Review status: criteria provided, single submitter. Criteria: LMM Criteria. Collection method: clinical testing. Allele origin: germline. Observed: 2 variant alleles. Not counted in ClinVar's aggregate classification.

PreventionGenetics, part of Exact Sciences
Classification: Benign. Review status: criteria provided, single submitter. Criteria: ACMG Guidelines, 2015. Collection method: clinical testing. Allele origin: germline. Not counted in ClinVar's aggregate classification.

Clinical Genetics DNA and cytogenetics Diagnostics Lab, Erasmus MC, Erasmus Medical Center
Classification: Likely benign. Review status: no assertion criteria provided. Collection method: clinical testing. Allele origin: germline. Affected: yes. Study: VKGL Data-share Consensus. Not counted in ClinVar's aggregate classification.

Clinical Genetics, Academic Medical Center
Classification: Benign. Review status: no assertion criteria provided. Collection method: clinical testing. Allele origin: germline. Affected: yes. Study: VKGL Data-share Consensus. Not counted in ClinVar's aggregate classification.